The following is an entry in ClinVar:

NM_152743.4(BRAT1):c.2377G>A (p.Asp793Asn)

Gene: BRAT1 (BRCA1 associated ATM activator 1; minus strand). Cytogenetic location: 7p22.3.
Variant type: single nucleotide variant.
Coding change: c.2377G>A on transcript NM_152743.4 (MANE Select); coding-DNA position 2377, G replaced by A.
Protein change: p.Asp793Asn; replaces aspartic acid 793 with asparagine.
Molecular consequence: missense variant. On other transcripts: non-coding transcript variant (1).
Genome position (GRCh38, 1-based): chr7:2,538,158, C>T on the plus strand (G>A on the coding strand, the complement: BRAT1 is on the minus strand). VCF-style: chr7-2538158-C-T. GRCh37 (hg19) VCF-style: chr7-2577792-C-T.
Other names: c.2557G>A, p.Asp853Asn (NM_001350626.2); c.1852G>A, p.Asp618Asn (NM_001350627.2); short protein forms D793N, D618N, D853N.
Identifiers: ClinVar variation 540149 (VCV000540149.9), dbSNP rs759036645, ClinGen allele CA4127374.
Genomic context (GRCh38, chr7:2,538,158, plus strand): 5'-GGAAGCCTCCCGTGGCCAGCATGTCCTGCAGGAGGGACTGGGGACTCTTTTCCACGTGGT[C>T]GCTGCTCTCGGCCAGCGTGCTCCGCAGGCCCTCCAGGTCTAGGGACCTGAGCATGGCCAG-3'
Protein context (NP_689956.2, residues 783-803): GLRSTLAESS[Asp793Asn]HVEKSPQSLL

ClinVar aggregate classification (germline): Conflicting classifications of pathogenicity. Review status: criteria provided, conflicting classifications (1 of 4 stars). 3 submissions from 3 submitters: Uncertain significance (2); Likely benign (1). Last evaluated 2022-09-07.

Conditions:
Neonatal-onset encephalopathy with rigidity and seizures. Also called: Lethal neonatal spasticity-epileptic encephalopathy syndrome. Identifiers: Orphanet 435845, MedGen C3281029, MONDO:0013784, OMIM 614498.
Inborn genetic diseases. Identifiers: MedGen C0950123, MeSH D030342.

Allele frequency attached by ClinVar (database versions not stated): gnomAD 0.00001; TOPMed 0.00001; ExAC 0.00003; gnomAD exomes 0.00003.
gnomAD v4.1: 91 of 1,608,750 alleles (0.0057%); highest among the groups gnomAD compares: Non-Finnish European, 0.0071%; no homozygotes.

Submissions (3):

Labcorp Genetics (formerly Invitae), Labcorp
Classification: Uncertain significance for Neonatal-onset encephalopathy with rigidity and seizures. Last evaluated: 2022-09-07. Review status: criteria provided, single submitter. Criteria: Invitae Variant Classification Sherloc (09022015). Collection method: clinical testing. Allele origin: germline.
Comment: This sequence change replaces aspartic acid, which is acidic and polar, with asparagine, which is neutral and polar, at codon 793 of the BRAT1 protein (p.Asp793Asn). This variant is present in population databases (rs759036645, gnomAD 0.007%). This variant has not been reported in the literature in individuals affected with BRAT1-related conditions. ClinVar contains an entry for this variant (Variation ID: 540149). Algorithms developed to predict the effect of missense changes on protein structure and function are either unavailable or do not agree on the potential impact of this missense change (SIFT: "Tolerated"; PolyPhen-2: "Probably Damaging"; Align-GVGD: "Class C0"). In summary, the available evidence is currently insufficient to determine the role of this variant in disease. Therefore, it has been classified as a Variant of Uncertain Significance.

Ambry Genetics
Classification: Uncertain significance for Inborn genetic diseases. Last evaluated: 2021-11-29. Review status: criteria provided, single submitter. Criteria: Ambry Variant Classification Scheme 2023. Collection method: clinical testing. Allele origin: germline.

GeneDx
Classification: Likely benign. Last evaluated: 2019-12-19. Review status: criteria provided, single submitter. Criteria: GeneDx Variant Classification Process June 2021. Collection method: clinical testing. Allele origin: germline. Affected: yes.